The following is an entry in ClinVar:

ClinVar aggregate classification (germline): Uncertain significance (1 of 4 stars; one submission).

Conditions:
Hereditary cancer-predisposing syndrome. Also called: Hereditary neoplastic syndrome; Hereditary Cancer Syndrome; Neoplastic Syndromes, Hereditary; Tumor predisposition. Identifiers: Orphanet 140162, MedGen C0027672, MeSH D009386, MONDO:0015356.

Submission:

Ambry Genetics
Classification: Uncertain significance for Hereditary cancer-predisposing syndrome. Last evaluated: 2023-03-18. Review status: criteria provided, single submitter. Criteria: Ambry Variant Classification Scheme 2023. Collection method: clinical testing. Allele origin: germline.
Comment: The p.I959T variant (also known as c.2876T>C), located in coding exon 12 of the MET gene, results from a T to C substitution at nucleotide position 2876. The isoleucine at codon 959 is replaced by threonine, an amino acid with similar properties. This amino acid position is conserved. In addition, this alteration is predicted to be tolerated by in silico analysis. Since supporting evidence is limited at this time, the clinical significance of this alteration remains unclear.

NM_000245.4(MET):c.2822T>C (p.Ile941Thr)

Gene: MET (MET proto-oncogene, receptor tyrosine kinase; plus strand). Cytogenetic location: 7q31.2.
Variant type: single nucleotide variant.
Coding change: c.2822T>C on transcript NM_000245.4 (MANE Select); coding-DNA position 2822, T replaced by C.
Protein change: p.Ile941Thr; replaces isoleucine 941 with threonine.
Molecular consequence: missense variant.
Genome position (GRCh38, 1-based): chr7:116,771,589, T>C. VCF-style: chr7-116771589-T-C. GRCh37 (hg19) VCF-style: chr7-116411643-T-C.
Other names: c.2876T>C, p.Ile959Thr (NM_001127500.3); c.1532T>C, p.Ile511Thr (NM_001324402.2); short protein forms I959T, I511T, I941T.
Identifiers: ClinVar variation 2567670 (VCV002567670.2), dbSNP rs2116992483, ClinGen allele CA368986589.